The following is an entry in ClinVar:

NM_001277313.2(FMN1):c.4120T>C (p.Ser1374Pro)

Gene: FMN1 (formin 1; minus strand). Cytogenetic location: 15q13.3.
Variant type: single nucleotide variant.
Coding change: c.4120T>C on transcript NM_001277313.2 (MANE Select); coding-DNA position 4120, T replaced by C.
Protein change: p.Ser1374Pro; replaces serine 1374 with proline.
Molecular consequence: missense variant.
Genome position (GRCh38, 1-based): chr15:32,798,814, A>G on the plus strand (T>C on the coding strand, the complement: FMN1 is on the minus strand). VCF-style: chr15-32798814-A-G. GRCh37 (hg19) VCF-style: chr15-33091015-A-G.
Other names: c.3451T>C, p.Ser1151Pro (NM_001103184.4); short protein forms S1151P, S1374P.
Identifiers: ClinVar variation 4751332 (VCV004751332.1).

ClinVar aggregate classification (germline): Uncertain significance (1 of 4 stars; one submission).

gnomAD v4.1: 724 of 1,612,032 alleles (0.045%); highest among the groups gnomAD compares: Non-Finnish European, 0.057%; no homozygotes.

Submission:

Labcorp Genetics (formerly Invitae), Labcorp
Classification: Uncertain significance. Last evaluated: 2025-03-12. Review status: criteria provided, single submitter. Criteria: Invitae Variant Classification Sherloc (09022015). Collection method: clinical testing. Allele origin: germline.
Comment: This sequence change replaces serine, which is neutral and polar, with proline, which is neutral and non-polar, at codon 1151 of the FMN1 protein (p.Ser1151Pro). This variant is present in population databases (rs200979045, gnomAD 0.03%). This variant has not been reported in the literature in individuals affected with FMN1-related conditions. An algorithm developed to predict the effect of missense changes on protein structure and function (PolyPhen-2) suggests that this variant is likely to be disruptive. In summary, the available evidence is currently insufficient to determine the role of this variant in disease. Therefore, it has been classified as a Variant of Uncertain Significance.